The following is an entry in ClinVar:

NM_025099.6(CTC1):c.2934-3C>G

Gene: CTC1 (CST telomere replication complex component 1; minus strand). Cytogenetic location: 17p13.1.
Variant type: single nucleotide variant.
Coding change: c.2934-3C>G on transcript NM_025099.6 (MANE Select); 3 bases into the intron before coding-DNA position 2934, C replaced by G.
Molecular consequence: intron variant.
Genome position (GRCh38, 1-based): chr17:8,229,971, G>C on the plus strand (C>G on the coding strand, the complement: CTC1 is on the minus strand). VCF-style: chr17-8229971-G-C. GRCh37 (hg19) VCF-style: chr17-8133289-G-C.
Other names: c.2934-3C>G (NM_001411067.1).
Identifiers: ClinVar variation 2714046 (VCV002714046.4), dbSNP rs1987070720, ClinGen allele CA2635983694.

ClinVar aggregate classification (germline): Uncertain significance. Review status: criteria provided, multiple submitters, no conflicts (2 of 4 stars). 2 submissions from 2 submitters: Uncertain significance (2). Last evaluated 2024-02-22.

Conditions:
Dyskeratosis congenita. Identifiers: Orphanet 1775, MedGen C0265965, MONDO:0015780.
Cerebroretinal microangiopathy with calcifications and cysts 1 (CRMCC1). Identifiers: Orphanet 313838, MedGen C4552029, MONDO:0024564, OMIM 612199.

Allele frequency attached by ClinVar (database versions not stated): gnomAD exomes below 0.00001.
gnomAD v4.1: 2 of 1,613,926 alleles (0.00012%); highest among the groups gnomAD compares: Non-Finnish European, 0.00017%; no homozygotes.

Submissions (2):

Fulgent Genetics
Classification: Uncertain significance for Cerebroretinal microangiopathy with calcifications and cysts 1. Last evaluated: 2024-02-22. Review status: criteria provided, single submitter. Criteria: ACMG Guidelines, 2015. Collection method: clinical testing. Allele origin: germline.

Labcorp Genetics (formerly Invitae), Labcorp
Classification: Uncertain significance for Dyskeratosis congenita. Last evaluated: 2023-05-05. Review status: criteria provided, single submitter. Criteria: Invitae Variant Classification Sherloc (09022015). Collection method: clinical testing. Allele origin: germline.
Comment: This variant is not present in population databases (gnomAD no frequency). This sequence change falls in intron 17 of the CTC1 gene. It does not directly change the encoded amino acid sequence of the CTC1 protein. It affects a nucleotide within the consensus splice site. This variant has not been reported in the literature in individuals affected with CTC1-related conditions. In summary, the available evidence is currently insufficient to determine the role of this variant in disease. Therefore, it has been classified as a Variant of Uncertain Significance. Variants that disrupt the consensus splice site are a relatively common cause of aberrant splicing (PMID: 17576681, 9536098). Algorithms developed to predict the effect of sequence changes on RNA splicing suggest that this variant may disrupt the consensus splice site.

Literature cited by the submitters: PubMed 17576681 (cited by Labcorp Genetics (formerly Invitae), Labcorp); PubMed 9536098 (cited by Labcorp Genetics (formerly Invitae), Labcorp).